The following is an entry in ClinVar:

ClinVar aggregate classification (germline): Pathogenic (1 of 4 stars; one submission).

Submission:

Labcorp Genetics (formerly Invitae), Labcorp
Classification: Pathogenic. Last evaluated: 2023-05-13. Review status: criteria provided, single submitter. Criteria: Invitae Variant Classification Sherloc (09022015). Collection method: clinical testing. Allele origin: germline.
Comment: This sequence change creates a premature translational stop signal (p.Gln247*) in the ADGRG1 gene. It is expected to result in an absent or disrupted protein product. Loss-of-function variants in ADGRG1 are known to be pathogenic (PMID: 15044805, 20929962). This variant is not present in population databases (gnomAD no frequency). For these reasons, this variant has been classified as Pathogenic. ClinVar contains an entry for this variant (Variation ID: 1452354). This variant has not been reported in the literature in individuals affected with ADGRG1-related conditions.

Literature cited by the submitters: PubMed 15044805; PubMed 20929962.

NM_201525.4(ADGRG1):c.739C>T (p.Gln247Ter)

Gene: ADGRG1 (adhesion G protein-coupled receptor G1; plus strand). Cytogenetic location: 16q21.
Variant type: single nucleotide variant.
Coding change: c.739C>T on transcript NM_201525.4 (MANE Select); coding-DNA position 739, C replaced by T.
Protein change: p.Gln247Ter; replaces glutamine 247 with a stop codon.
Molecular consequence: nonsense.
Genome position (GRCh38, 1-based): chr16:57,654,104, C>T. VCF-style: chr16-57654104-C-T. GRCh37 (hg19) VCF-style: chr16-57688016-C-T.
Other names: c.583C>T, p.Gln195Ter (NM_001370442.1); c.214C>T, p.Gln72Ter (NM_001370451.1, NM_001370453.1, NM_001370454.1 and 2 more transcripts); c.739C>T, p.Gln247Ter (NM_005682.7, NM_201524.4, NM_001145770.3 and 16 more transcripts); c.754C>T, p.Gln252Ter (NM_001145773.3, NM_001370433.1); c.229C>T, p.Gln77Ter (NM_001290142.2); short protein forms Q77*, Q195*, Q252*, Q72*, Q247*.
Identifiers: ClinVar variation 1452354 (VCV001452354.6), dbSNP rs2148348983, ClinGen allele CA396046703.